The following is an entry in ClinVar:

NM_017934.7(PHIP):c.577C>T (p.Arg193Ter)

Gene: PHIP (PHIP subunit of CUL4-Ring ligase complex; minus strand). Cytogenetic location: 6q14.1.
Variant type: single nucleotide variant.
Coding change: c.577C>T on transcript NM_017934.7 (MANE Select); coding-DNA position 577, C replaced by T.
Protein change: p.Arg193Ter; replaces arginine 193 with a stop codon.
Molecular consequence: nonsense.
Genome position (GRCh38, 1-based): chr6:79,042,866, G>A on the plus strand (C>T on the coding strand, the complement: PHIP is on the minus strand). VCF-style: chr6-79042866-G-A. GRCh37 (hg19) VCF-style: chr6-79752583-G-A.
Other names: short protein forms R193*.
Identifiers: ClinVar variation 817522 (VCV000817522.3), dbSNP rs565098856, ClinGen allele CA141874666.

ClinVar aggregate classification (germline): Pathogenic. Review status: criteria provided, multiple submitters, no conflicts (2 of 4 stars). 2 submissions from 2 submitters: Pathogenic (2). Last evaluated 2024-11-27.

Conditions:
Early onset severe obesity. Identifiers: MedGen C4013980.

Allele frequency attached by ClinVar (database versions not stated): gnomAD 0.00001.

Submissions (2):

GeneDx
Classification: Pathogenic. Last evaluated: 2024-11-27. Review status: criteria provided, single submitter. Criteria: GeneDx Variant Classification Process June 2021. Collection method: clinical testing. Allele origin: germline. Affected: yes.
Comment: Nonsense variant predicted to result in protein truncation or nonsense mediated decay in a gene for which loss of function is a known mechanism of disease; Not observed at significant frequency in large population cohorts (gnomAD); This variant is associated with the following publications: (PMID: 28940097)

Cambridge Genomics Laboratory, East Genomic Laboratory Hub, NHS Genomic Medicine Service
Classification: Pathogenic for Severe early-onset obesity. Last evaluated: 2024-08-21. Review status: criteria provided, single submitter. Criteria: ACGS Best Practice Guidelines for Variant Classification in Rare Disease 2020. Collection method: clinical testing. Allele origin: germline. Affected: yes.
Comment: Although the variant is present at 0.0000% in gnomAD All, it has the flag "AC0" and may not represent the true population frequency. The p.Arg193Ter variant is novel (not in any individuals) in 1kG All. (PM2 - Moderate) | This variant is a stop gained variant which occurs in an exon of PHIP upstream of where nonsense mediated decay is predicted to occur. This variant has been previously classified as pathogenic, indicating that the region is critical to protein function. There are 88 downstream pathogenic loss of function variants, with the furthest variant being 1580 residues downstream of this variant. This indicates that the region is critical to protein function. The gene PHIP has a low rate of benign loss of function variants as indicated by a low upper bound of the observed/expected confidence interval 0.25. The p.Arg193Ter variant is a loss of function variant in the gene PHIP, which is intolerant of Loss of Function variants, as indicated by the presence of existing pathogenic loss of function variant NM_017934.7:c.40+1delG and 60 others. (PVS1 - Very Strong) | The variant is de novo with no familial history of the disease, but the absence of the variant in both parents was not able to be confirmed. (PM6 - Moderate)